The following is an entry in ClinVar:

NM_001081.4(CUBN):c.4350+5G>C

Gene: CUBN (cubilin; minus strand). Cytogenetic location: 10p13.
Variant type: single nucleotide variant.
Coding change: c.4350+5G>C on transcript NM_001081.4 (MANE Select); 5 bases into the intron after coding-DNA position 4350, G replaced by C.
Molecular consequence: intron variant.
Genome position (GRCh38, 1-based): chr10:16,990,329, C>G on the plus strand (G>C on the coding strand, the complement: CUBN is on the minus strand). VCF-style: chr10-16990329-C-G. GRCh37 (hg19) VCF-style: chr10-17032328-C-G.
Other names: c.4350+5G>C (NM_001081.3).
Identifiers: ClinVar variation 4906680 (VCV004906680.2).

ClinVar aggregate classification (germline): Uncertain significance. Review status: criteria provided, multiple submitters, no conflicts (2 of 4 stars). 2 submissions from 2 submitters: Uncertain significance (2). Last evaluated 2025-12-17.

Conditions:
CUBN-related disorder. Also called: CUBN-related condition.

gnomAD v4.1: 128 of 1,614,036 alleles (0.0079%); highest among the groups gnomAD compares: Non-Finnish European, 0.011%; no homozygotes.

Submissions (2):

PreventionGenetics, part of Exact Sciences
Classification: Uncertain significance for CUBN-related condition. Last evaluated: 2025-12-17. Review status: criteria provided, single submitter. Criteria: ACMG Guidelines, 2015. Collection method: clinical testing. Allele origin: germline.
Comment: The CUBN c.4350+5G>C variant is predicted to interfere with splicing. This variant is predicted to alter splicing (weaken the nearby splice donor site signal) based on available splicing prediction programs (Alamut Visual Plus v1.6.1; SpliceAI, Jaganathan et al. 2019. PubMed ID: 30661751). However, the use of computer prediction programs is not equivalent to functional evidence. Of note, a different variant at the same nucleotide, defined as c.4350+5G>A, was reported in the compound heterozygous state with a missense variant (c.196G>A, p.Gly66Arg listed in ClinVar as benign with Variation ID: 299546) in an individual with focal and segmental glomerulosclerosis (FSGS) (Table S4, Wang et al. 2019. PubMed ID: 31308072). To our knowledge, the c.4350+5G>C variant has not been reported in the literature. This variant is reported in 0.0039% of alleles in individuals of European (Non-Finnish) descent in gnomAD. At this time, the clinical significance of this variant is uncertain due to the absence of conclusive functional and genetic evidence.

Blueprint Genetics
Classification: Uncertain significance. Last evaluated: 2024-07-18. Review status: criteria provided, single submitter. Criteria: ACMG Guidelines, 2015. Collection method: clinical testing. Allele origin: germline.